The following is an entry in ClinVar:

NM_005419.4(STAT2):c.1630-2A>G

Gene: STAT2 (signal transducer and activator of transcription 2; minus strand). Cytogenetic location: 12q13.3.
Variant type: single nucleotide variant.
Coding change: c.1630-2A>G on transcript NM_005419.4 (MANE Select); the canonical splice acceptor site of the intron before coding-DNA position 1630, A replaced by G.
Molecular consequence: splice acceptor variant.
Genome position (GRCh38, 1-based): chr12:56,348,625, T>C on the plus strand (A>G on the coding strand, the complement: STAT2 is on the minus strand). VCF-style: chr12-56348625-T-C. GRCh37 (hg19) VCF-style: chr12-56742409-T-C.
Other names: c.1597-2A>G (NM_001385110.1); c.1588-2A>G (NM_001385115.1); c.1618-2A>G (NM_198332.2); c.1609-2A>G (NM_001385114.1); c.1531-2A>G (NM_001385111.1); c.1630-2A>G (NM_001385113.1).
Identifiers: ClinVar variation 2005889 (VCV002005889.4), dbSNP rs1028079499, ClinGen allele CA237647409.

ClinVar aggregate classification (germline): Likely pathogenic (1 of 4 stars; one submission).

Conditions:
Primary immunodeficiency with post-measles-mumps-rubella vaccine viral infection. Also called: Immunodeficiency 44. Identifiers: Orphanet 431166, MedGen C4225260, MONDO:0014715, OMIM 616636.

Submission:

Labcorp Genetics (formerly Invitae), Labcorp
Classification: Likely pathogenic for Primary immunodeficiency with post-measles-mumps-rubella vaccine viral infection. Last evaluated: 2025-11-10. Review status: criteria provided, single submitter. Criteria: Invitae Variant Classification Sherloc (09022015). Collection method: clinical testing. Allele origin: germline.
Comment: This sequence change affects an acceptor splice site in intron 18 of the STAT2 gene. It is expected to disrupt RNA splicing. Variants that disrupt the donor or acceptor splice site typically lead to a loss of protein function (PMID: 16199547), and loss-of-function variants in STAT2 are known to be pathogenic (PMID: 23391734, 26122121). This variant is not present in population databases (gnomAD no frequency). This variant has not been reported in the literature in individuals affected with STAT2-related conditions. ClinVar contains an entry for this variant (Variation ID: 2005889). Algorithms developed to predict the effect of sequence changes on RNA splicing suggest that this variant may disrupt the consensus splice site. In summary, the currently available evidence indicates that the variant is pathogenic, but additional data are needed to prove that conclusively. Therefore, this variant has been classified as Likely Pathogenic.

Literature cited by the submitters: PubMed 16199547; PubMed 23391734; PubMed 26122121.